The following is an entry in ClinVar:

ClinVar aggregate classification (germline): Uncertain significance (1 of 4 stars; one submission).

Conditions:
SEMA3E-related disorder. Also called: SEMA3E-related condition.

Submission:

PreventionGenetics, part of Exact Sciences
Classification: Uncertain significance for SEMA3E-related condition. Last evaluated: 2025-11-19. Review status: criteria provided, single submitter. Criteria: ACMG Guidelines, 2015. Collection method: clinical testing. Allele origin: germline.
Comment: The SEMA3E c.1117A>G variant is predicted to result in the amino acid substitution p.Lys373Glu. To our knowledge, this variant has not been reported in the literature or in a large population database (gnomAD), indicating this variant is rare. At this time, the clinical significance of this variant is uncertain due to the absence of conclusive functional and genetic evidence.

NM_012431.3(SEMA3E):c.1117A>G (p.Lys373Glu)

Gene: SEMA3E (semaphorin 3E; minus strand). Cytogenetic location: 7q21.11.
Variant type: single nucleotide variant.
Coding change: c.1117A>G on transcript NM_012431.3 (MANE Select); coding-DNA position 1117, A replaced by G.
Protein change: p.Lys373Glu; replaces lysine 373 with glutamic acid.
Molecular consequence: missense variant.
Genome position (GRCh38, 1-based): chr7:83,402,658, T>C on the plus strand (A>G on the coding strand, the complement: SEMA3E is on the minus strand). VCF-style: chr7-83402658-T-C. GRCh37 (hg19) VCF-style: chr7-83031974-T-C.
Other names: c.937A>G, p.Lys313Glu (NM_001178129.2); short protein forms K313E, K373E.
Identifiers: ClinVar variation 4994156 (VCV004994156.1).